The following is an entry in ClinVar:

NM_000138.5(FBN1):c.4122C>T (p.Cys1374=)

Gene: FBN1 (fibrillin 1; minus strand). Cytogenetic location: 15q21.1.
Variant type: single nucleotide variant.
Coding change: c.4122C>T on transcript NM_000138.5 (MANE Select); coding-DNA position 4122, C replaced by T.
Protein change: p.Cys1374=; no amino-acid change (cysteine 1374 retained).
Molecular consequence: synonymous variant.
Genome position (GRCh38, 1-based): chr15:48,474,343, G>A on the plus strand (C>T on the coding strand, the complement: FBN1 is on the minus strand). VCF-style: chr15-48474343-G-A. GRCh37 (hg19) VCF-style: chr15-48766540-G-A.
Other names: c.4122C>T, p.Cys1374= (NM_001406716.1).
Identifiers: ClinVar variation 3071837 (VCV003071837.4), dbSNP rs113034291, ClinGen allele CA490014847.

ClinVar aggregate classification (germline): Likely benign. Review status: criteria provided, multiple submitters, no conflicts (2 of 4 stars). 3 submissions from 3 submitters: Likely benign (3). Last evaluated 2025-01-13.

Conditions:
Marfan syndrome (MFS). Also called: MARFAN SYNDROME, TYPE I; Marfan syndrome type 1; Marfan's syndrome; Marfan syndrome, classic; FBN1-Related Marfan Syndrome. Identifiers: Orphanet 284963, Orphanet 558, MedGen C0024796, MONDO:0007947, OMIM 154700.
Familial thoracic aortic aneurysm and aortic dissection (TAAD). Also called: Thoracic aortic aneurysms and dissections. Identifiers: Orphanet 91387, MedGen C4707243, MONDO:0019625.

Submissions (3):

Ambry Genetics
Classification: Likely benign for Familial thoracic aortic aneurysm and aortic dissection. Last evaluated: 2025-01-13. Review status: criteria provided, single submitter. Criteria: Ambry Variant Classification Scheme 2023. Collection method: clinical testing. Allele origin: germline.

All of Us Research Program, National Institutes of Health
Classification: Likely benign for Marfan syndrome. Last evaluated: 2024-03-24. Review status: criteria provided, single submitter. Criteria: ACMG Guidelines, 2015. Collection method: clinical testing. Allele origin: germline. Inheritance: Autosomal dominant inheritance. Observed: 2 variant alleles, 2 heterozygotes.
Comment: This study involves interpretation of variants in research participants for the purpose of population health screening. Participant phenotype was not available at the time of variant classification. Additional details can be found in publication PMID: 35346344, PMCID: PMC8962531

Color Diagnostics, LLC DBA Color Health
Classification: Likely benign for Familial thoracic aortic aneurysm and aortic dissection. Last evaluated: 2023-06-14. Review status: criteria provided, single submitter. Criteria: ACMG Guidelines, 2015. Collection method: clinical testing. Allele origin: germline.